The following is an entry in ClinVar:

ClinVar aggregate classification (germline): Conflicting classifications of pathogenicity. Review status: criteria provided, conflicting classifications (1 of 4 stars). 3 submissions from 3 submitters: Pathogenic (1); Likely pathogenic (1); Uncertain significance (1). Last evaluated 2025-03-07.

Conditions:
Leber congenital amaurosis 2 (LCA2). Also called: Autosomal Recessive RPE65-Related Retinal Degeneration; AMAUROSIS CONGENITA OF LEBER II. Identifiers: Orphanet 65, MedGen C1859844, MONDO:0008765, OMIM 204100. Disease mechanism: loss of function.
Retinal dystrophy. Also called: Inherited retinal dystrophy. Identifiers: Orphanet 71862, MedGen C0854723, MeSH D058499, MONDO:0019118, HP:0000556.
Leber congenital amaurosis (LCA). Also called: Leber's amaurosis. Identifiers: Orphanet 65, MedGen C0339527, MeSH D057130, MONDO:0018998.

Allele frequency attached by ClinVar (database versions not stated): gnomAD exomes below 0.00001; gnomAD 0.00001.
gnomAD v4.1: 2 of 1,613,980 alleles (0.00012%); highest among the groups gnomAD compares: Non-Finnish European, 0.00017%; no homozygotes.

Submissions (3):

Natera, Inc.
Classification: Likely pathogenic for Leber congenital amaurosis. Last evaluated: 2025-03-07. Review status: criteria provided, single submitter. Criteria: Natera Variant Classification Schema (03/2026). Collection method: clinical testing. Allele origin: germline.
Comment: The c.208T>G variant in RPE65 is a missense variant predicted to cause substitution of phenylalanine to valine at amino acid 70. This variant is rare in the general population with a frequency below the threshold expected for the associated phenotype(s). This variant has been observed in one or more individuals affected with the associated recessive disease, as either homozygous or compound heterozygous with a second variant (PMID: 39462066, 17724218, 3203226). Additionally, this variant has been observed to segregate in affected family members (PMID: 39462066). Computational prediction algorithms indicate this variant is likely to affect gene or protein function. Given the available evidence, this variant is classified as Likely Pathogenic.

Baylor Genetics
Classification: Pathogenic for Leber congenital amaurosis 2. Last evaluated: 2022-10-21. Review status: criteria provided, single submitter. Criteria: ACMG Guidelines, 2015. Collection method: clinical testing. Allele origin: unknown.

Institute of Human Genetics, Univ. Regensburg, Univ. Regensburg
Classification: Uncertain significance for Retinal dystrophy. Last evaluated: 2009-01-01. Review status: criteria provided, single submitter. Criteria: ACMG Guidelines, 2015. Collection method: clinical testing. Allele origin: germline. Affected: yes.

Literature cited by the submitters: PubMed 39462066 (cited by Natera, Inc.); PubMed 17724218 (cited by Natera, Inc. and Institute of Human Genetics, Univ. Regensburg, Univ. Regensburg); PubMed 3203226 (cited by Natera, Inc.); PubMed 2233437 (cited by Institute of Human Genetics, Univ. Regensburg, Univ. Regensburg).

NM_000329.3(RPE65):c.208T>G (p.Phe70Val)

Gene: RPE65 (retinoid isomerohydrolase RPE65; minus strand). Cytogenetic location: 1p31.3.
Variant type: single nucleotide variant.
Coding change: c.208T>G on transcript NM_000329.3 (MANE Select); coding-DNA position 208, T replaced by G.
Protein change: p.Phe70Val; replaces phenylalanine 70 with valine.
Molecular consequence: missense variant. On other transcripts: 5 prime UTR variant (1), intron variant (1).
Genome position (GRCh38, 1-based): chr1:68,446,747, A>C on the plus strand (T>G on the coding strand, the complement: RPE65 is on the minus strand). VCF-style: chr1-68446747-A-C. GRCh37 (hg19) VCF-style: chr1-68912430-A-C.
Other names: c.208T>G, p.Phe70Val (NM_001406860.1, NM_001406853.1, NM_001406859.1); c.-69T>G (NM_001406857.1); c.-31-1864T>G (NM_001406856.1); c.208T>G (NM_000329.2); short protein forms F70V.
Identifiers: ClinVar variation 2678444 (VCV002678444.3), dbSNP rs1645945392, ClinGen allele CA340748974.